The following is an entry in ClinVar:

NM_015378.4(VPS13D):c.2389G>A (p.Val797Ile)

Gene: VPS13D (vacuolar protein sorting 13 homolog D; plus strand). Cytogenetic location: 1p36.22.
Variant type: single nucleotide variant.
Coding change: c.2389G>A on transcript NM_015378.4 (MANE Select); coding-DNA position 2389, G replaced by A.
Protein change: p.Val797Ile; replaces valine 797 with isoleucine.
Molecular consequence: missense variant.
Genome position (GRCh38, 1-based): chr1:12,275,977, G>A. VCF-style: chr1-12275977-G-A. GRCh37 (hg19) VCF-style: chr1-12336034-G-A.
Other names: c.2389G>A, p.Val797Ile (NM_018156.4); c.2389G>A (NM_015378.2); short protein forms V797I.
Identifiers: ClinVar variation 1378584 (VCV001378584.5), dbSNP rs183393458, ClinGen allele CA601817.

ClinVar aggregate classification (germline): Uncertain significance. Review status: criteria provided, multiple submitters, no conflicts (2 of 4 stars). 2 submissions from 2 submitters: Uncertain significance (2). Last evaluated 2025-09-10.

Conditions:
Inborn genetic diseases. Identifiers: MedGen C0950123, MeSH D030342.

Allele frequency attached by ClinVar (database versions not stated): gnomAD exomes 0.00002 and 0.00010; gnomAD 0.00008 and 0.00009; TOPMed 0.00010; ExAC 0.00011; 1000 Genomes Project 0.00040; 1000 Genomes Project 30x 0.00062.
gnomAD v4.1: 51 of 1,614,010 alleles (0.0032%); highest among the groups gnomAD compares: East Asian, 0.065%; no homozygotes.

Submissions (2):

Labcorp Genetics (formerly Invitae), Labcorp
Classification: Uncertain significance. Last evaluated: 2025-09-10. Review status: criteria provided, single submitter. Criteria: Invitae Variant Classification Sherloc (09022015). Collection method: clinical testing. Allele origin: germline.
Comment: This sequence change replaces valine, which is neutral and non-polar, with isoleucine, which is neutral and non-polar, at codon 797 of the VPS13D protein (p.Val797Ile). This variant is present in population databases (rs183393458, gnomAD 0.1%). This variant has not been reported in the literature in individuals affected with VPS13D-related conditions. ClinVar contains an entry for this variant (Variation ID: 1378584). Invitae Evidence Modeling of protein sequence and biophysical properties (such as structural, functional, and spatial information, amino acid conservation, physicochemical variation, residue mobility, and thermodynamic stability) indicates that this missense variant is not expected to disrupt VPS13D protein function with a negative predictive value of 80%. In summary, the available evidence is currently insufficient to determine the role of this variant in disease. Therefore, it has been classified as a Variant of Uncertain Significance.

Ambry Genetics
Classification: Uncertain significance for Inborn genetic diseases. Last evaluated: 2025-05-19. Review status: criteria provided, single submitter. Criteria: Ambry Variant Classification Scheme 2023. Collection method: clinical testing. Allele origin: germline.